The following is an entry in ClinVar:

ClinVar aggregate classification (germline): Uncertain significance (1 of 4 stars; one submission).

Submission:

Labcorp Genetics (formerly Invitae), Labcorp
Classification: Uncertain significance. Last evaluated: 2025-12-15. Review status: criteria provided, single submitter. Criteria: Invitae Variant Classification Sherloc (09022015). Collection method: clinical testing. Allele origin: germline.
Comment: This variant, c.744_752dup, results in the insertion of 3 amino acid(s) of the GPR45 protein (p.Leu249_Arg251dup), but otherwise preserves the integrity of the reading frame. This variant is present in population databases (rs752899844, gnomAD 0.03%). This variant has not been reported in the literature in individuals affected with GPR45-related conditions. ClinVar contains an entry for this variant (Variation ID: 1517739). Experimental studies and prediction algorithms are not available or were not evaluated, and the functional significance of this variant is currently unknown. In summary, the available evidence is currently insufficient to determine the role of this variant in disease. Therefore, it has been classified as a Variant of Uncertain Significance.

NM_007227.3(GPR45):c.744_752dup (p.Leu249_Arg251dup)

Gene: GPR45 (G protein-coupled receptor 45; plus strand). Cytogenetic location: 2q12.1.
Variant type: Duplication.
Coding change: c.744_752dup on transcript NM_007227.3 (MANE Select); coding-DNA positions 744 to 752, 9 bases duplicated (CCTGCAGCG; older notation c.744_752dupCCTGCAGCG).
Protein change: p.Leu249_Arg251dup.
Molecular consequence: inframe insertion.
Genome position (GRCh38, 1-based): chr2:105,242,602-105,242,610, CCTGCAGCG duplicated; duplicating any 9 consecutive bases within chr2:105,242,599-105,242,610 gives the same sequence; the c. name uses the placement nearest the transcript's 3' end. VCF-style (leftmost placement, unchanged base first): chr2-105242598-G-GGCGCCTGCA. GRCh37 (hg19) VCF-style: chr2-105859055-G-GGCGCCTGCA.
Identifiers: ClinVar variation 1517739 (VCV001517739.6), dbSNP rs752899844, ClinGen allele CA1813646.